The following is an entry in ClinVar:

ClinVar aggregate classification (germline): Benign/Likely benign. Review status: criteria provided, multiple submitters, no conflicts (2 of 4 stars). 4 submissions from 4 submitters: Benign (1); Likely benign (3). Last evaluated 2025-01-25.

Conditions:
Familial adenomatous polyposis 1 (FAP1). Also called: FAMILIAL ADENOMATOUS POLYPOSIS 1, ATTENUATED; POLYPOSIS, ADENOMATOUS INTESTINAL. Identifiers: MedGen C2713442, MONDO:0021056, OMIM 175100. Disease mechanism: loss of function.
Hereditary cancer-predisposing syndrome. Also called: Hereditary Cancer Syndrome; Neoplastic Syndromes, Hereditary; Hereditary neoplastic syndrome; Tumor predisposition. Identifiers: Orphanet 140162, MedGen C0027672, MeSH D009386, MONDO:0015356.

Allele frequency attached by ClinVar (database versions not stated): gnomAD exomes below 0.00001.
gnomAD v4.1: 2 of 1,613,848 alleles (0.00012%); highest among the groups gnomAD compares: Non-Finnish European, 0.00017%; no homozygotes.

Submissions (4):

Ambry Genetics
Classification: Likely benign for Hereditary cancer-predisposing syndrome. Last evaluated: 2025-01-25. Review status: criteria provided, single submitter. Criteria: Ambry Variant Classification Scheme 2023. Collection method: clinical testing. Allele origin: germline.

Color Diagnostics, LLC DBA Color Health
Classification: Likely benign for Hereditary cancer-predisposing syndrome. Last evaluated: 2024-09-17. Review status: criteria provided, single submitter. Criteria: ACMG Guidelines, 2015. Collection method: clinical testing. Allele origin: germline.

Myriad Genetics, Inc.
Classification: Benign for Familial adenomatous polyposis 1. Last evaluated: 2024-04-10. Review status: criteria provided, single submitter. Criteria: Myriad Autosomal Dominant, Autosomal Recessive and X-Linked Classification Criteria (2023). Collection method: clinical testing. Allele origin: unknown.
Comment: This variant is considered benign. This variant is a silent/synonymous amino acid change and it is not expected to impact splicing.

Labcorp Genetics (formerly Invitae), Labcorp
Classification: Likely benign for Familial adenomatous polyposis 1. Last evaluated: 2022-01-23. Review status: criteria provided, single submitter. Criteria: Invitae Variant Classification Sherloc (09022015). Collection method: clinical testing. Allele origin: germline.

NM_000038.6(APC):c.7626T>C (p.Asn2542=)

Gene: APC (APC regulator of Wnt signaling pathway; plus strand). Cytogenetic location: 5q22.2.
Variant type: single nucleotide variant.
Coding change: c.7626T>C on transcript NM_000038.6 (MANE Select); coding-DNA position 7626, T replaced by C.
Protein change: p.Asn2542=; no amino-acid change (asparagine 2542 retained).
Molecular consequence: synonymous variant.
Genome position (GRCh38, 1-based): chr5:112,843,220, T>C. VCF-style: chr5-112843220-T-C. GRCh37 (hg19) VCF-style: chr5-112178917-T-C.
Other names: c.7626T>C, p.Asn2542= (NM_001127510.3, NM_001354895.2); c.7572T>C, p.Asn2524= (NM_001127511.3); c.7680T>C, p.Asn2560= (NM_001354896.2); c.7656T>C, p.Asn2552= (NM_001354897.2); c.7551T>C, p.Asn2517= (NM_001354898.2); c.7542T>C, p.Asn2514= (NM_001354899.2); c.7503T>C, p.Asn2501= (NM_001354900.2); c.7449T>C, p.Asn2483= (NM_001354901.2); and 5 more.
Identifiers: ClinVar variation 428102 (VCV000428102.16), dbSNP rs1114167553, ClinGen allele CA446211097.